The following is an entry in ClinVar:

NM_003324.5(TULP3):c.319G>A (p.Val107Ile)

Gene: TULP3 (TUB like protein 3; plus strand). Cytogenetic location: 12p13.33.
Variant type: single nucleotide variant.
Coding change: c.319G>A on transcript NM_003324.5 (MANE Select); coding-DNA position 319, G replaced by A.
Protein change: p.Val107Ile; replaces valine 107 with isoleucine.
Molecular consequence: missense variant.
Genome position (GRCh38, 1-based): chr12:2,922,327, G>A. VCF-style: chr12-2922327-G-A. GRCh37 (hg19) VCF-style: chr12-3031493-G-A.
Other names: c.319G>A, p.Val107Ile (NM_001160408.2); short protein forms V107I.
Identifiers: ClinVar variation 3184873 (VCV003184873.2), dbSNP rs142250486, ClinGen allele CA6392545.

ClinVar aggregate classification (germline): Conflicting classifications of pathogenicity. Review status: criteria provided, conflicting classifications (1 of 4 stars). 2 submissions from 2 submitters: Uncertain significance (1); Likely benign (1). Last evaluated 2025-12-30.

Conditions:
TULP3-related condition.
Inborn genetic diseases. Identifiers: MedGen C0950123, MeSH D030342.

Allele frequency attached by ClinVar (database versions not stated): gnomAD exomes 0.00007; ExAC 0.00030; gnomAD 0.00090; TOPMed 0.00106; ESP Exome Variant Server 0.00108; 1000 Genomes Project 30x 0.00156; 1000 Genomes Project 0.00160.
gnomAD v4.1: 247 of 1,614,154 alleles (0.015%); highest among the groups gnomAD compares: African/African-American, 0.25%; 1 homozygote.

Submissions (2):

PreventionGenetics, part of Exact Sciences
Classification: Likely benign for TULP3-related condition. Last evaluated: 2025-12-30. Review status: criteria provided, single submitter. Criteria: ACMG Guidelines, 2015. Collection method: clinical testing. Allele origin: germline.
Comment: This variant is classified as likely benign based on ACMG/AMP sequence variant interpretation guidelines (Richards et al. 2015 PMID: 25741868, with internal and published modifications).

Ambry Genetics
Classification: Uncertain significance for Inborn genetic diseases. Last evaluated: 2023-11-06. Review status: criteria provided, single submitter. Criteria: Ambry Variant Classification Scheme 2023. Collection method: clinical testing. Allele origin: germline.